The following is an entry in ClinVar:

NM_005045.4(RELN):c.7562A>G (p.Asn2521Ser)

Gene: RELN (reelin; minus strand). Cytogenetic location: 7q22.1.
Variant type: single nucleotide variant.
Coding change: c.7562A>G on transcript NM_005045.4 (MANE Select); coding-DNA position 7562, A replaced by G.
Protein change: p.Asn2521Ser; replaces asparagine 2521 with serine.
Molecular consequence: missense variant.
Genome position (GRCh38, 1-based): chr7:103,522,128, T>C on the plus strand (A>G on the coding strand, the complement: RELN is on the minus strand). VCF-style: chr7-103522128-T-C. GRCh37 (hg19) VCF-style: chr7-103162575-T-C.
Other names: c.7562A>G, p.Asn2521Ser (NM_173054.3); short protein forms N2521S.
Identifiers: ClinVar variation 4784663 (VCV004784663.1).

ClinVar aggregate classification (germline): Uncertain significance (1 of 4 stars; one submission).

Conditions:
Norman-Roberts syndrome (LIS2). Also called: Lissencephaly 2 (Norman-Roberts type). Identifiers: Orphanet 89844, MedGen C0796089, MONDO:0009760, OMIM 257320.
Familial temporal lobe epilepsy 7. Identifiers: Orphanet 101046, MedGen C4225327, MONDO:0014639, OMIM 616436.

gnomAD v4.1: 13 of 1,613,928 alleles (0.00081%); highest among the groups gnomAD compares: South Asian, 0.0055%; no homozygotes.

Submission:

Labcorp Genetics (formerly Invitae), Labcorp
Classification: Uncertain significance for Familial temporal lobe epilepsy 7; Norman-Roberts syndrome. Last evaluated: 2025-12-19. Review status: criteria provided, single submitter. Criteria: Invitae Variant Classification Sherloc (09022015). Collection method: clinical testing. Allele origin: germline.
Comment: This sequence change replaces asparagine, which is neutral and polar, with serine, which is neutral and polar, at codon 2521 of the RELN protein (p.Asn2521Ser). This variant is present in population databases (rs756999307, gnomAD 0.006%). This variant has not been reported in the literature in individuals affected with RELN-related conditions. Invitae Evidence Modeling of protein sequence and biophysical properties (such as structural, functional, and spatial information, amino acid conservation, physicochemical variation, residue mobility, and thermodynamic stability) indicates that this missense variant is not expected to disrupt RELN protein function with a negative predictive value of 80%. In summary, the available evidence is currently insufficient to determine the role of this variant in disease. Therefore, it has been classified as a Variant of Uncertain Significance.